The following is an entry in ClinVar:

NM_138420.4(AHNAK2):c.9391C>T (p.Leu3131=)

Gene: AHNAK2 (AHNAK nucleoprotein 2; minus strand). Cytogenetic location: 14q32.33.
Variant type: single nucleotide variant.
Coding change: c.9391C>T on transcript NM_138420.4 (MANE Select); coding-DNA position 9391, C replaced by T.
Protein change: p.Leu3131=; no amino-acid change (leucine 3131 retained).
Molecular consequence: synonymous variant.
Genome position (GRCh38, 1-based): chr14:104,946,060, G>A on the plus strand (C>T on the coding strand, the complement: AHNAK2 is on the minus strand). VCF-style: chr14-104946060-G-A. GRCh37 (hg19) VCF-style: chr14-105412397-G-A.
Other names: c.9091C>T, p.Leu3031= (NM_001350929.2).
Identifiers: ClinVar variation 4533717 (VCV004533717.6).

ClinVar aggregate classification (germline): Likely benign (1 of 4 stars; one submission).

Submission:

CeGaT Center for Human Genetics Tuebingen
Classification: Likely benign. Last evaluated: 2025-11-01. Review status: criteria provided, single submitter. Criteria: CeGaT Center For Human Genetics Tuebingen Variant Classification Criteria Version 2. Collection method: clinical testing. Allele origin: germline. Affected: yes. Observed: 1 variant allele.
Comment: AHNAK2: BP4, BP7